The following is an entry in ClinVar:

NM_001164665.2(KIAA1549):c.2765G>A (p.Arg922His)

Gene: KIAA1549 (KIAA1549; minus strand). Cytogenetic location: 7q34.
Variant type: single nucleotide variant.
Coding change: c.2765G>A on transcript NM_001164665.2 (MANE Select); coding-DNA position 2765, G replaced by A.
Protein change: p.Arg922His; replaces arginine 922 with histidine.
Molecular consequence: missense variant.
Genome position (GRCh38, 1-based): chr7:138,916,861, C>T on the plus strand (G>A on the coding strand, the complement: KIAA1549 is on the minus strand). VCF-style: chr7-138916861-C-T. GRCh37 (hg19) VCF-style: chr7-138601607-C-T.
Other names: c.2765G>A, p.Arg922His (NM_020910.3); short protein forms R922H.
Identifiers: ClinVar variation 1522025 (VCV001522025.6), dbSNP rs762326899, ClinGen allele CA4506417.

ClinVar aggregate classification (germline): Uncertain significance. Review status: criteria provided, multiple submitters, no conflicts (2 of 4 stars). 3 submissions from 3 submitters: Uncertain significance (3). Last evaluated 2024-08-16.

Conditions:
Retinal dystrophy. Also called: Inherited retinal dystrophy. Identifiers: Orphanet 71862, MedGen C0854723, MeSH D058499, MONDO:0019118, HP:0000556.

Allele frequency attached by ClinVar (database versions not stated): ExAC 0.00001; gnomAD exomes 0.00002 and 0.00003; TOPMed 0.00002; gnomAD 0.00003 and 0.00004.
gnomAD v4.1: 49 of 1,613,782 alleles (0.003%); highest among the groups gnomAD compares: East Asian, 0.04%; no homozygotes.

Submissions (3):

Blueprint Genetics
Classification: Uncertain significance. Last evaluated: 2024-08-16. Review status: criteria provided, single submitter. Criteria: ACMG Guidelines, 2015. Collection method: clinical testing. Allele origin: germline.

Dept Of Ophthalmology, Nagoya University
Classification: Uncertain significance for Retinal dystrophy. Last evaluated: 2023-10-01. Review status: criteria provided, single submitter. Criteria: Submitter's publication. Collection method: research. Allele origin: germline. Affected: yes.

Labcorp Genetics (formerly Invitae), Labcorp
Classification: Uncertain significance. Last evaluated: 2022-09-27. Review status: criteria provided, single submitter. Criteria: Invitae Variant Classification Sherloc (09022015). Collection method: clinical testing. Allele origin: germline.
Comment: ClinVar contains an entry for this variant (Variation ID: 1522025). This variant has not been reported in the literature in individuals affected with KIAA1549-related conditions. This variant is present in population databases (rs762326899, gnomAD 0.005%). This sequence change replaces arginine, which is basic and polar, with histidine, which is basic and polar, at codon 922 of the KIAA1549 protein (p.Arg922His). Algorithms developed to predict the effect of missense changes on protein structure and function output the following: SIFT: "Tolerated"; PolyPhen-2: "Benign"; Align-GVGD: "Class C0". The histidine amino acid residue is found in multiple mammalian species, which suggests that this missense change does not adversely affect protein function. In summary, the available evidence is currently insufficient to determine the role of this variant in disease. Therefore, it has been classified as a Variant of Uncertain Significance.